The following is an entry in ClinVar:

ClinVar aggregate classification (germline): Uncertain significance (1 of 4 stars; one submission).

Submission:

Women's Health and Genetics/Laboratory Corporation of America, LabCorp
Classification: Uncertain significance. Last evaluated: 2026-04-17. Review status: criteria provided, single submitter. Criteria: LabCorp Variant Classification Summary - May 2015. Collection method: clinical testing. Allele origin: germline.
Comment: Variant summary: The variant involves the duplication of exons 1-6 in the GOSR2 gene. A presumed nomenclature of c.(?_-34)_(*3261_?)dup has been designated for the purposes of this classification. This duplication includes the entire coding sequence of the gene. As exact breakpoints are unknown, it may extend beyond the annotated region of the gene, to include other flanking genes. The duplication of the GOSR2 gene in isolation was absent in in the gnomAD database (Structural Variants datasets). However, a large duplication (size: ~728 kb) which covers the GOSR2 gene together with several other genes (which are mostly located upstream) was found at a frequency of 0.0028 in 88098 control chromosomes in the gnomAD database (Structural Variants v4.1 dataset), including 4 homozygotes. The observed variant frequency exceeds the estimated maximal expected allele frequency for disease-causing variants in GOSR2. To our knowledge, duplications confined to the GOSR2 gene have not been reported in the literature. ClinVar contains an entry for similar duplication variants (e.g. Variation ID: 2425053). Based on the evidence outlined above, the variant was classified as uncertain significance.

NC_000017.10:g.(?_45000525)_(45019387_?)dup

Gene: GOSR2 (golgi SNAP receptor complex member 2; plus strand). Cytogenetic location: 17q21.32.
Variant type: Duplication.
Identifiers: ClinVar variation 4848446 (VCV004848446.1).